The following is an entry in ClinVar:

NM_005026.5(PIK3CD):c.2184C>T (p.Leu728=)

Gene: PIK3CD (phosphatidylinositol-4,5-bisphosphate 3-kinase catalytic subunit delta; plus strand). Cytogenetic location: 1p36.22.
Variant type: single nucleotide variant.
Coding change: c.2184C>T on transcript NM_005026.5 (MANE Select); coding-DNA position 2184, C replaced by T.
Protein change: p.Leu728=; no amino-acid change (leucine 728 retained).
Molecular consequence: synonymous variant.
Genome position (GRCh38, 1-based): chr1:9,722,103, C>T. VCF-style: chr1-9722103-C-T. GRCh37 (hg19) VCF-style: chr1-9782161-C-T.
Other names: c.2181C>T, p.Leu727= (NM_001350234.2); c.2097C>T, p.Leu699= (NM_001350235.1).
Identifiers: ClinVar variation 2498391 (VCV002498391.31), dbSNP rs916860406, ClinGen allele CA17781698.

ClinVar aggregate classification (germline): Likely benign. Review status: criteria provided, multiple submitters, no conflicts (2 of 4 stars). 2 submissions from 2 submitters: Likely benign (2). Last evaluated 2023-02-01.

Conditions:
Immunodeficiency 14 (IMD14A). Also called: p110-DELTA-ACTIVATING MUTATION CAUSING SENESCENT T CELLS, LYMPHADENOPATHY, AND IMMUNODEFICIENCY; IMMUNODEFICIENCY 14A WITH LYMPHOPROLIFERATION, AUTOSOMAL DOMINANT; ACTIVATED PI3K-DELTA SYNDROME 1; Activated PI3K Delta Syndrome Type 1 (APDS1). Identifiers: Orphanet 397596, Orphanet 693661, MedGen C5907821, MONDO:0014222, OMIM 615513.

Allele frequency attached by ClinVar (database versions not stated): gnomAD 0.00001; gnomAD exomes 0.00001; TOPMed 0.00001.
gnomAD v4.1: 20 of 1,613,328 alleles (0.0012%); highest among the groups gnomAD compares: Admixed American, 0.0017%; no homozygotes.

Submissions (2):

CeGaT Center for Human Genetics Tuebingen
Classification: Likely benign. Last evaluated: 2023-02-01. Review status: criteria provided, single submitter. Criteria: CeGaT Center For Human Genetics Tuebingen Variant Classification Criteria Version 2. Collection method: clinical testing. Allele origin: germline. Affected: yes. Observed: 1 variant allele.
Comment: PIK3CD: BP4, BP7

Labcorp Genetics (formerly Invitae), Labcorp
Classification: Likely benign for Activated PI3K-delta syndrome. Last evaluated: 2022-12-19. Review status: criteria provided, single submitter. Criteria: Invitae Variant Classification Sherloc (09022015). Collection method: clinical testing. Allele origin: germline.